The following is an entry in ClinVar:

NM_000287.4(PEX6):c.2198T>C (p.Leu733Pro)

Gene: PEX6 (peroxisomal biogenesis factor 6; minus strand). Cytogenetic location: 6p21.1.
Variant type: single nucleotide variant.
Coding change: c.2198T>C on transcript NM_000287.4 (MANE Select); coding-DNA position 2198, T replaced by C.
Protein change: p.Leu733Pro; replaces leucine 733 with proline.
Molecular consequence: missense variant.
Genome position (GRCh38, 1-based): chr6:42,966,344, A>G on the plus strand (T>C on the coding strand, the complement: PEX6 is on the minus strand). VCF-style: chr6-42966344-A-G. GRCh37 (hg19) VCF-style: chr6-42934082-A-G.
Other names: c.1934T>C, p.Leu645Pro (NM_001316313.2); short protein forms L645P, L733P.
Identifiers: ClinVar variation 1357307 (VCV001357307.8), dbSNP rs1581760232, ClinGen allele CA364152300.

ClinVar aggregate classification (germline): Uncertain significance. Review status: criteria provided, multiple submitters, no conflicts (2 of 4 stars). 3 submissions from 3 submitters: Uncertain significance (3). Last evaluated 2023-08-24.

Conditions:
Peroxisome biogenesis disorder. Identifiers: Orphanet 79189, MedGen C1832200, MONDO:0019234. Disease mechanism: loss of function.

Allele frequency attached by ClinVar (database versions not stated): gnomAD exomes below 0.00001; gnomAD 0.00001.
gnomAD v4.1: 3 of 1,613,874 alleles (0.00019%); highest among the groups gnomAD compares: Middle Eastern, 0.049%; no homozygotes.

Submissions (3):

Blueprint Genetics
Classification: Uncertain significance. Last evaluated: 2023-08-24. Review status: criteria provided, single submitter. Criteria: ACMG Guidelines, 2015. Collection method: clinical testing. Allele origin: germline.

Labcorp Genetics (formerly Invitae), Labcorp
Classification: Uncertain significance for Peroxisome biogenesis disorder. Last evaluated: 2022-10-05. Review status: criteria provided, single submitter. Criteria: Invitae Variant Classification Sherloc (09022015). Collection method: clinical testing. Allele origin: germline.
Comment: In summary, the available evidence is currently insufficient to determine the role of this variant in disease. Therefore, it has been classified as a Variant of Uncertain Significance. Advanced modeling of protein sequence and biophysical properties (such as structural, functional, and spatial information, amino acid conservation, physicochemical variation, residue mobility, and thermodynamic stability) has been performed at Invitae for this missense variant, however the output from this modeling did not meet the statistical confidence thresholds required to predict the impact of this variant on PEX6 protein function. ClinVar contains an entry for this variant (Variation ID: 1357307). This variant has not been reported in the literature in individuals affected with PEX6-related conditions. This variant is not present in population databases (gnomAD no frequency). This sequence change replaces leucine, which is neutral and non-polar, with proline, which is neutral and non-polar, at codon 733 of the PEX6 protein (p.Leu733Pro).

Breakthrough Genomics
Classification: Uncertain significance. Review status: criteria provided, single submitter. Criteria: ACMG Guidelines, 2015. Collection method: not provided. Allele origin: germline. Inheritance: Autosomal recessive inheritance. Affected: yes.